The following is an entry in ClinVar:

NM_001429.4(EP300):c.95-3T>C

Gene: EP300 (EP300 lysine acetyltransferase; plus strand). Cytogenetic location: 22q13.2.
Variant type: single nucleotide variant.
Coding change: c.95-3T>C on transcript NM_001429.4 (MANE Select); 3 bases into the intron before coding-DNA position 95, T replaced by C.
Molecular consequence: intron variant.
Genome position (GRCh38, 1-based): chr22:41,117,184, T>C. VCF-style: chr22-41117184-T-C. GRCh37 (hg19) VCF-style: chr22-41513188-T-C.
Other names: c.95-3T>C (NM_001362843.2).
Identifiers: ClinVar variation 2084149 (VCV002084149.4), dbSNP rs949538020, ClinGen allele CA324511916.

ClinVar aggregate classification (germline): Uncertain significance (1 of 4 stars; one submission).

Conditions:
Rubinstein-Taybi syndrome due to EP300 haploinsufficiency. Also called: EP300-Related Rubinstein-Taybi Syndrome; RUBINSTEIN-TAYBI SYNDROME 2. Identifiers: Orphanet 353284, Orphanet 783, MedGen C3150941, MONDO:0013364, OMIM 613684.

gnomAD v4.1: 2 of 1,614,148 alleles (0.00012%); no homozygotes.

Submission:

Labcorp Genetics (formerly Invitae), Labcorp
Classification: Uncertain significance for Rubinstein-Taybi syndrome due to EP300 haploinsufficiency. Last evaluated: 2022-06-13. Review status: criteria provided, single submitter. Criteria: Invitae Variant Classification Sherloc (09022015). Collection method: clinical testing. Allele origin: germline.
Comment: This sequence change falls in intron 1 of the EP300 gene. It does not directly change the encoded amino acid sequence of the EP300 protein. It affects a nucleotide within the consensus splice site. This variant is not present in population databases (gnomAD no frequency). This variant has not been reported in the literature in individuals affected with EP300-related conditions. Variants that disrupt the consensus splice site are a relatively common cause of aberrant splicing (PMID: 17576681, 9536098). Algorithms developed to predict the effect of sequence changes on RNA splicing suggest that this variant is not likely to affect RNA splicing. In summary, the available evidence is currently insufficient to determine the role of this variant in disease. Therefore, it has been classified as a Variant of Uncertain Significance.

Literature cited by the submitters: PubMed 17576681; PubMed 9536098.